The following is an entry in ClinVar:

NM_002350.4(LYN):c.1370C>T (p.Ser457Phe)

Gene: LYN (LYN proto-oncogene, Src family tyrosine kinase; plus strand). Cytogenetic location: 8q12.1.
Variant type: single nucleotide variant.
Coding change: c.1370C>T on transcript NM_002350.4 (MANE Select); coding-DNA position 1370, C replaced by T.
Protein change: p.Ser457Phe; replaces serine 457 with phenylalanine.
Molecular consequence: missense variant.
Genome position (GRCh38, 1-based): chr8:56,009,941, C>T. VCF-style: chr8-56009941-C-T. GRCh37 (hg19) VCF-style: chr8-56922500-C-T.
Other names: c.1307C>T, p.Ser436Phe (NM_001111097.3); short protein forms S457F, S436F.
Identifiers: ClinVar variation 1461065 (VCV001461065.6), dbSNP rs1808768553, ClinGen allele CA371276360.

ClinVar aggregate classification (germline): Uncertain significance (1 of 4 stars; one submission).

Allele frequency attached by ClinVar (database versions not stated): gnomAD exomes below 0.00001; gnomAD 0.00001.
gnomAD v4.1: 3 of 1,613,850 alleles (0.00019%); highest among the groups gnomAD compares: South Asian, 0.0011%; no homozygotes.

Submission:

Labcorp Genetics (formerly Invitae), Labcorp
Classification: Uncertain significance. Last evaluated: 2024-04-08. Review status: criteria provided, single submitter. Criteria: Invitae Variant Classification Sherloc (09022015). Collection method: clinical testing. Allele origin: germline.
Comment: This sequence change replaces serine, which is neutral and polar, with phenylalanine, which is neutral and non-polar, at codon 457 of the LYN protein (p.Ser457Phe). This variant is not present in population databases (gnomAD no frequency). This variant has not been reported in the literature in individuals affected with LYN-related conditions. ClinVar contains an entry for this variant (Variation ID: 1461065). An algorithm developed to predict the effect of missense changes on protein structure and function (PolyPhen-2) suggests that this variant is likely to be tolerated. In summary, the available evidence is currently insufficient to determine the role of this variant in disease. Therefore, it has been classified as a Variant of Uncertain Significance.